The following is an entry in ClinVar:

NM_000535.7(PMS2):c.2549T>G (p.Met850Arg)

Gene: PMS2 (PMS1 homolog 2, mismatch repair system component; minus strand). Cytogenetic location: 7p22.1.
Variant type: single nucleotide variant.
Coding change: c.2549T>G on transcript NM_000535.7 (MANE Select); coding-DNA position 2549, T replaced by G.
Protein change: p.Met850Arg; replaces methionine 850 with arginine.
Molecular consequence: missense variant. On other transcripts: non-coding transcript variant (1).
Genome position (GRCh38, 1-based): chr7:5,973,439, A>C on the plus strand (T>G on the coding strand, the complement: PMS2 is on the minus strand). VCF-style: chr7-5973439-A-C. GRCh37 (hg19) VCF-style: chr7-6013070-A-C.
Other names: c.2144T>G, p.Met715Arg (NM_001322003.2, NM_001322004.2, NM_001322005.2); c.2393T>G, p.Met798Arg (NM_001322006.2); c.2231T>G, p.Met744Arg (NM_001322007.2, NM_001322008.2); c.2177T>G, p.Met726Arg (NM_001322009.2); c.1988T>G, p.Met663Arg (NM_001322010.2); c.1616T>G, p.Met539Arg (NM_001322011.2, NM_001322012.2); c.1976T>G, p.Met659Arg (NM_001322013.2); c.2582T>G, p.Met861Arg (NM_001322014.2); and 1 more; short protein forms M539R, M659R, M663R, M715R, M726R, M744R, M747R, M798R.
Identifiers: ClinVar variation 1027171 (VCV001027171.6), dbSNP rs1781486223, ClinGen allele CA366734818.

ClinVar aggregate classification (germline): Conflicting classifications of pathogenicity. Review status: criteria provided, conflicting classifications (1 of 4 stars). 3 submissions from 3 submitters: Likely pathogenic (1); Uncertain significance (2). Last evaluated 2023-09-25.

Conditions:
Hereditary nonpolyposis colorectal neoplasms. Identifiers: MedGen C0009405, MeSH D003123.
Hereditary cancer-predisposing syndrome. Also called: Neoplastic Syndromes, Hereditary; Tumor predisposition; Hereditary Cancer Syndrome; Hereditary neoplastic syndrome. Identifiers: Orphanet 140162, MedGen C0027672, MeSH D009386, MONDO:0015356.
Lynch syndrome 4 (LYNCH4). Also called: Colorectal cancer, hereditary nonpolyposis, type 4; Hereditary non-polyposis colorectal cancer, type 4. Identifiers: Orphanet 144, MedGen C1838333, MONDO:0013699, OMIM 614337. Disease mechanism: loss of function.

Submissions (3):

Myriad Genetics, Inc.
Classification: Likely pathogenic for Lynch syndrome 4. Last evaluated: 2023-09-25. Review status: criteria provided, single submitter. Criteria: Myriad Autosomal Dominant, Autosomal Recessive and X-Linked Classification Criteria (2023). Collection method: clinical testing. Allele origin: unknown.
Comment: This variant is considered likely pathogenic. Functional studies indicate this variant impacts protein function [PMID: 35451539]. This variant is expected to disrupt protein structure [Myriad internal data].

Labcorp Genetics (formerly Invitae), Labcorp
Classification: Uncertain significance for Hereditary nonpolyposis colorectal neoplasms. Last evaluated: 2020-03-19. Review status: criteria provided, single submitter. Criteria: Invitae Variant Classification Sherloc (09022015). Collection method: clinical testing. Allele origin: germline.

Ambry Genetics
Classification: Uncertain significance for Hereditary cancer-predisposing syndrome. Last evaluated: 2018-10-30. Review status: criteria provided, single submitter. Criteria: Ambry Variant Classification Scheme 2023. Collection method: clinical testing. Allele origin: germline.
Comment: The p.M850R variant (also known as c.2549T>G), located in coding exon 15 of the PMS2 gene, results from a T to G substitution at nucleotide position 2549. The methionine at codon 850 is replaced by arginine, an amino acid with similar properties. This amino acid position is well conserved in available vertebrate species. In addition, this alteration is predicted to be deleterious by in silico analysis. Since supporting evidence is limited at this time, the clinical significance of this alteration remains unclear.

Literature cited by the submitters: PubMed 35451539 (cited by Myriad Genetics, Inc.).